The following is an entry in ClinVar:

NM_017433.5(MYO3A):c.585+3C>T

Gene: MYO3A (myosin IIIA; plus strand). Cytogenetic location: 10p12.1.
Variant type: single nucleotide variant.
Coding change: c.585+3C>T on transcript NM_017433.5 (MANE Select); 3 bases into the intron after coding-DNA position 585, C replaced by T.
Molecular consequence: intron variant.
Genome position (GRCh38, 1-based): chr10:26,016,899, C>T. VCF-style: chr10-26016899-C-T. GRCh37 (hg19) VCF-style: chr10-26305828-C-T.
Other names: c.585+3C>T (NM_001368265.1).
Identifiers: ClinVar variation 228986 (VCV000228986.11), dbSNP rs200381660, ClinGen allele CA5444357.

ClinVar aggregate classification (germline): Uncertain significance. Review status: criteria provided, multiple submitters, no conflicts (2 of 4 stars). 3 submissions from 3 submitters: Uncertain significance (3). Last evaluated 2021-11-29.

Allele frequency attached by ClinVar (database versions not stated): TOPMed 0.00014; ESP Exome Variant Server 0.00015; 1000 Genomes Project 30x 0.00016.
gnomAD v4.1: 302 of 1,613,880 alleles (0.019%); highest among the groups gnomAD compares: Non-Finnish European, 0.025%; no homozygotes.

Submissions (3):

GeneDx
Classification: Uncertain significance. Last evaluated: 2021-11-29. Review status: criteria provided, single submitter. Criteria: GeneDx Variant Classification Process June 2021. Collection method: clinical testing. Allele origin: germline. Affected: yes.
Comment: In silico analysis supports that this variant does not alter splicing; Has not been previously published as pathogenic or benign to our knowledge

Labcorp Genetics (formerly Invitae), Labcorp
Classification: Uncertain significance. Last evaluated: 2021-08-19. Review status: criteria provided, single submitter. Criteria: Invitae Variant Classification Sherloc (09022015). Collection method: clinical testing. Allele origin: germline.
Comment: This sequence change falls in intron 7 of the MYO3A gene. It does not directly change the encoded amino acid sequence of the MYO3A protein. It affects a nucleotide within the consensus splice site of the intron. This variant is present in population databases (rs200381660, ExAC 0.01%). This variant has not been reported in the literature in individuals affected with MYO3A-related conditions. ClinVar contains an entry for this variant (Variation ID: 228986). Variants that disrupt the consensus splice site are a relatively common cause of aberrant splicing (PMID: 17576681, 9536098). Algorithms developed to predict the effect of sequence changes on RNA splicing suggest that this variant may disrupt the consensus splice site. In summary, the available evidence is currently insufficient to determine the role of this variant in disease. Therefore, it has been classified as a Variant of Uncertain Significance.

Laboratory for Molecular Medicine, Mass General Brigham Personalized Medicine
Classification: Uncertain significance. Last evaluated: 2015-05-28. Review status: criteria provided, single submitter. Criteria: LMM Criteria. Collection method: clinical testing. Allele origin: germline. Observed: 1 variant allele.
Comment: The c.585+3C>T variant in MYO3A has not been previously reported in individuals with hearing loss, but has been identified in 2/66708 European chromosomes by th e Exome Aggregation Consortium (ExAC; dbSNP rs20 0381660). Although this variant has been seen in the general population, its fre quency is not high enough to rule out a pathogenic role. This variant is located in the 5' splice region. Computational tools do not suggest an impact to splici ng. However, this information is not predictive enough to rule out pathogenicity . In summary, the clinical significance of the c.585+3C>T variant is uncertain.

Literature cited by the submitters: PubMed 17576681 (cited by Labcorp Genetics (formerly Invitae), Labcorp); PubMed 9536098 (cited by Labcorp Genetics (formerly Invitae), Labcorp).